The following is an entry in ClinVar:

NM_198578.4(LRRK2):c.6224A>G (p.Glu2075Gly)

Gene: LRRK2 (leucine rich repeat kinase 2; plus strand). Cytogenetic location: 12q12.
Variant type: single nucleotide variant.
Coding change: c.6224A>G on transcript NM_198578.4 (MANE Select); coding-DNA position 6224, A replaced by G.
Protein change: p.Glu2075Gly; replaces glutamic acid 2075 with glycine.
Molecular consequence: missense variant.
Genome position (GRCh38, 1-based): chr12:40,346,867, A>G. VCF-style: chr12-40346867-A-G. GRCh37 (hg19) VCF-style: chr12-40740669-A-G.
Other names: short protein forms E2075G.
Identifiers: ClinVar variation 3291932 (VCV003291932.1).

ClinVar aggregate classification (germline): Uncertain significance (1 of 4 stars; one submission).

Conditions:
Inborn genetic diseases. Identifiers: MedGen C0950123, MeSH D030342.

Submission:

Ambry Genetics
Classification: Uncertain significance for Inborn genetic diseases. Last evaluated: 2024-03-23. Review status: criteria provided, single submitter. Criteria: Ambry Variant Classification Scheme 2023. Collection method: clinical testing. Allele origin: germline.
Comment: The p.E2075G variant (also known as c.6224A>G), located in coding exon 42 of the LRRK2 gene, results from an A to G substitution at nucleotide position 6224. The glutamic acid at codon 2075 is replaced by glycine, an amino acid with similar properties. This amino acid position is conserved. In addition, this alteration is predicted to be tolerated by in silico analysis. Based on the available evidence, the clinical significance of this alteration remains unclear.